The following is an entry in ClinVar:

ClinVar aggregate classification (germline): Uncertain significance. Review status: criteria provided, multiple submitters, no conflicts (2 of 4 stars). 2 submissions from 2 submitters: Uncertain significance (2). Last evaluated 2026-04-16.

Conditions:
Episodic kinesigenic dyskinesia (EKD). Also called: Paroxysmal kinesigenic dyskinesia. Identifiers: Orphanet 98809, MedGen C1868682, MONDO:0044202.

Allele frequency attached by ClinVar (database versions not stated): gnomAD exomes below 0.00001.
gnomAD v4.1: 1 of 1,612,816 alleles (0.000062%); highest among the groups gnomAD compares: Non-Finnish European, 0.000085%; no homozygotes.

Submissions (2):

GeneDx
Classification: Uncertain significance. Last evaluated: 2026-04-16. Review status: criteria provided, single submitter. Criteria: GeneDx Variant Classification Process June 2021. Collection method: clinical testing. Allele origin: germline.
Comment: Not observed at significant frequency in large population cohorts (gnomAD); In silico analysis supports that this missense variant has a deleterious effect on protein structure/function; Has not been previously published as pathogenic or benign to our knowledge

Labcorp Genetics (formerly Invitae), Labcorp
Classification: Uncertain significance for Episodic kinesigenic dyskinesia. Last evaluated: 2023-09-29. Review status: criteria provided, single submitter. Criteria: Invitae Variant Classification Sherloc (09022015). Collection method: clinical testing. Allele origin: germline.
Comment: In summary, the available evidence is currently insufficient to determine the role of this variant in disease. Therefore, it has been classified as a Variant of Uncertain Significance. Advanced modeling of protein sequence and biophysical properties (such as structural, functional, and spatial information, amino acid conservation, physicochemical variation, residue mobility, and thermodynamic stability) performed at Invitae indicates that this missense variant is not expected to disrupt PRRT2 protein function. This variant has not been reported in the literature in individuals affected with PRRT2-related conditions. This variant is not present in population databases (gnomAD no frequency). This sequence change replaces glycine, which is neutral and non-polar, with glutamic acid, which is acidic and polar, at codon 13 of the PRRT2 protein (p.Gly13Glu).

NM_145239.3(PRRT2):c.38G>A (p.Gly13Glu)

Genes: MVP-DT (MVP divergent transcript; minus strand), PRRT2 (proline rich transmembrane protein 2; plus strand). Cytogenetic location: 16p11.2.
Variant type: single nucleotide variant.
Coding change: c.38G>A on transcript NM_145239.3 (MANE Select); coding-DNA position 38, G replaced by A.
Protein change: p.Gly13Glu; replaces glycine 13 with glutamic acid.
Molecular consequence: missense variant.
Genome position (GRCh38, 1-based): chr16:29,813,092, G>A. VCF-style: chr16-29813092-G-A. GRCh37 (hg19) VCF-style: chr16-29824413-G-A.
Other names: c.38G>A, p.Gly13Glu (NM_001256442.2, NM_001256443.2); short protein forms G13E.
Identifiers: ClinVar variation 2879519 (VCV002879519.4), dbSNP rs2543330836, ClinGen allele CA395477041.